The following is an entry in ClinVar:

NM_177438.3(DICER1):c.936del (p.Leu313fs)

Gene: DICER1 (dicer 1, ribonuclease III; minus strand). Cytogenetic location: 14q32.13.
Variant type: Deletion.
Coding change: c.936del on transcript NM_177438.3 (MANE Select); coding-DNA position 936, one base deleted (T; older notation c.936delT).
Protein change: p.Leu313fs; shifts the reading frame from leucine 313.
Molecular consequence: frameshift variant. On other transcripts: non-coding transcript variant (6), 5 prime UTR variant (1).
Genome position (GRCh38, 1-based): chr14:95,124,636, A deleted on the plus strand (T on the coding strand, the reverse complement: DICER1 is on the minus strand); the first of 2 consecutive A bases (chr14:95,124,636-95,124,637); deleting either gives the same sequence. VCF-style (leftmost placement, unchanged base first): chr14-95124635-GA-G. GRCh37 (hg19) VCF-style: chr14-95590972-GA-G.
Other names: c.936del, p.Leu313fs (NM_001195573.1, NM_001271282.3, NM_001291628.2 and 14 more transcripts); c.654del, p.Leu219fs (NM_001395686.1); c.531del, p.Leu178fs (NM_001395687.1, NM_001395688.1, NM_001395689.1 and 3 more transcripts); c.369del, p.Leu124fs (NM_001395691.1); c.-633del (NM_001395697.1); short protein forms L313fs, L124fs, L178fs, L219fs.
Identifiers: ClinVar variation 3641143 (VCV003641143.3).
Genomic context (GRCh38, chr14:95,124,635, plus strand): 5'-TGTATTTCTGTAGTTCTCTTACCATCATTCCAGCTACTTTATCTGCACACCAGGGTCCCA[GA>G]ACTACCAATACGGCACGACAGTCTGATAGTATCTACAAAAAAAAGAAAAGAAAAAACCTA-3'

ClinVar aggregate classification (germline): Pathogenic/Likely pathogenic. Review status: criteria provided, multiple submitters, no conflicts (2 of 4 stars). 2 submissions from 2 submitters: Pathogenic (1); Likely pathogenic (1). Last evaluated 2024-06-04.

Conditions:
DICER1-related tumor predisposition. Also called: DICER1 syndrome; DICER1-related pleuropulmonary blastoma cancer predisposition syndrome. Identifiers: Orphanet 284343, MedGen C3839822, MONDO:0100216.

Submissions (2):

Labcorp Genetics (formerly Invitae), Labcorp
Classification: Pathogenic for DICER1-related tumor predisposition. Last evaluated: 2024-06-04. Review status: criteria provided, single submitter. Criteria: Invitae Variant Classification Sherloc (09022015). Collection method: clinical testing. Allele origin: germline.
Comment: This sequence change creates a premature translational stop signal (p.Leu313Trpfs*9) in the DICER1 gene. It is expected to result in an absent or disrupted protein product. Loss-of-function variants in DICER1 are known to be pathogenic (PMID: 19556464, 21266384). This variant is not present in population databases (gnomAD no frequency). This variant has not been reported in the literature in individuals affected with DICER1-related conditions. For these reasons, this variant has been classified as Pathogenic.

Institute for Genomic Medicine (IGM) Clinical Laboratory, Nationwide Children's Hospital
Classification: Likely pathogenic for DICER1-related tumor predisposition. Last evaluated: 2024-01-09. Review status: criteria provided, single submitter. Criteria: ACMG Guidelines, 2015. Collection method: clinical testing. Allele origin: germline.
Comment: This variant is predicted to result in loss of function through nonsense-mediated decay of the encoded transcript or premature truncation of the encoded protein in a gene in which loss of function is a known mechanism of disease (ACMG/AMP: PVS1). This variant is absent from or present at an exceedingly low frequency in gnomAD, a large-scale control population database (ACMG/AMP: PM2).

Literature cited by the submitters: PubMed 19556464 (cited by Labcorp Genetics (formerly Invitae), Labcorp); PubMed 21266384 (cited by Labcorp Genetics (formerly Invitae), Labcorp).